The following is an entry in ClinVar:

NM_002485.5(NBN):c.120G>A (p.Ser40=)

Gene: NBN (nibrin; minus strand). Cytogenetic location: 8q21.3.
Variant type: single nucleotide variant.
Coding change: c.120G>A on transcript NM_002485.5 (MANE Select); coding-DNA position 120, G replaced by A.
Protein change: p.Ser40=; no amino-acid change (serine 40 retained).
Molecular consequence: synonymous variant. On other transcripts: 5 prime UTR variant (1).
Genome position (GRCh38, 1-based): chr8:89,982,773, C>T on the plus strand (G>A on the coding strand, the complement: NBN is on the minus strand). VCF-style: chr8-89982773-C-T. GRCh37 (hg19) VCF-style: chr8-90995001-C-T.
Other names: c.-177G>A (NM_001024688.3).
Identifiers: ClinVar variation 461494 (VCV000461494.19), dbSNP rs774989816, ClinGen allele CA461831543.

ClinVar aggregate classification (germline): Likely benign. Review status: criteria provided, multiple submitters, no conflicts (2 of 4 stars). 4 submissions from 4 submitters: Likely benign (4). Last evaluated 2025-12-17.

Conditions:
Hereditary cancer-predisposing syndrome. Also called: Neoplastic Syndromes, Hereditary; Hereditary Cancer Syndrome; Hereditary neoplastic syndrome; Tumor predisposition. Identifiers: Orphanet 140162, MedGen C0027672, MeSH D009386, MONDO:0015356.
Microcephaly, normal intelligence and immunodeficiency (NBS). Also called: Nijmegen breakage syndrome; Microcephaly with normal intelligence immunodeficiency and lymphoreticular malignancies; Nonsyndromal microcephaly autosomal recessive with normal intelligence; Seemanova syndrome 2; Ataxia telangiectasia variant V1; Immunodeficiency, microcephaly with normal intelligence. Identifiers: Orphanet 647, MedGen C0398791, MONDO:0009623, OMIM 251260.

gnomAD v4.1: 1 of 1,613,862 alleles (0.000062%); highest among the groups gnomAD compares: South Asian, 0.0011%; no homozygotes.

Submissions (4):

Labcorp Genetics (formerly Invitae), Labcorp
Classification: Likely benign for Microcephaly, normal intelligence and immunodeficiency. Last evaluated: 2025-12-17. Review status: criteria provided, single submitter. Criteria: Invitae Variant Classification Sherloc (09022015). Collection method: clinical testing. Allele origin: germline.

Blueprint Genetics
Classification: Likely benign. Last evaluated: 2023-08-22. Review status: criteria provided, single submitter. Criteria: ACMG Guidelines, 2015. Collection method: clinical testing. Allele origin: germline.

Ambry Genetics
Classification: Likely benign for Hereditary cancer-predisposing syndrome. Last evaluated: 2018-12-14. Review status: criteria provided, single submitter. Criteria: Ambry Variant Classification Scheme 2023. Collection method: clinical testing. Allele origin: germline.

GeneDx
Classification: Likely benign. Last evaluated: 2018-03-05. Review status: criteria provided, single submitter. Criteria: GeneDx Variant Classification (06012015). Collection method: clinical testing. Allele origin: germline. Affected: yes.
Comment: This variant is considered likely benign or benign based on one or more of the following criteria: it is a conservative change, it occurs at a poorly conserved position in the protein, it is predicted to be benign by multiple in silico algorithms, and/or has population frequency not consistent with disease.